The following is an entry in ClinVar:

ClinVar aggregate classification (germline): Uncertain significance. Review status: criteria provided, single submitter (1 of 4 stars). 2 submissions from 2 submitters: Uncertain significance (1). 1 of the submissions does not count toward it. Last evaluated 2021-11-08.

Conditions:
Inborn genetic diseases. Identifiers: MedGen C0950123, MeSH D030342.
MAN1B1-related disorder. Also called: MAN1B1-related condition; MAN1B1-related disorders.

Allele frequency attached by ClinVar (database versions not stated): ExAC 0.00001; TOPMed 0.00002; gnomAD 0.00003; gnomAD exomes 0.00004.

Submissions (2):

Ambry Genetics
Classification: Uncertain significance for Inborn genetic diseases. Last evaluated: 2021-11-08. Review status: criteria provided, single submitter. Criteria: Ambry Variant Classification Scheme 2023. Collection method: clinical testing. Allele origin: germline.

PreventionGenetics, part of Exact Sciences
Classification: Uncertain significance for MAN1B1-related condition. Last evaluated: 2024-05-01. Review status: no assertion criteria provided. Collection method: clinical testing. Allele origin: germline. Not counted in ClinVar's aggregate classification.
Comment: The MAN1B1 c.1601C>T variant is predicted to result in the amino acid substitution p.Ala534Val. To our knowledge, this variant has not been reported in the literature. This variant is reported in 0.0055% of alleles in individuals of East Asian descent in gnomAD. At this time, the clinical significance of this variant is uncertain due to the absence of conclusive functional and genetic evidence.

NM_016219.5(MAN1B1):c.1601C>T (p.Ala534Val)

Gene: MAN1B1 (mannosidase alpha class 1B member 1; plus strand). Cytogenetic location: 9q34.3.
Variant type: single nucleotide variant.
Coding change: c.1601C>T on transcript NM_016219.5 (MANE Select); coding-DNA position 1601, C replaced by T.
Protein change: p.Ala534Val; replaces alanine 534 with valine.
Molecular consequence: missense variant. On other transcripts: non-coding transcript variant (2).
Genome position (GRCh38, 1-based): chr9:137,107,284, C>T. VCF-style: chr9-137107284-C-T. GRCh37 (hg19) VCF-style: chr9-140001736-C-T.
Other names: c.1493C>T, p.Ala498Val (NM_007230.1); c.1601C>T (NM_016219.4); short protein forms A534V, A498V.
Identifiers: ClinVar variation 2259099 (VCV002259099.3), dbSNP rs745823843, ClinGen allele CA5359306.